The following is an entry in ClinVar:

ClinVar aggregate classification (germline): Uncertain significance (1 of 4 stars; one submission).

Submission:

GeneDx
Classification: Uncertain significance. Last evaluated: 2024-06-10. Review status: criteria provided, single submitter. Criteria: GeneDx Variant Classification Process June 2021. Collection method: clinical testing. Allele origin: germline. Affected: yes.
Comment: Not observed at significant frequency in large population cohorts (gnomAD); In silico analysis supports that this missense variant has a deleterious effect on protein structure/function; Has not been previously published as pathogenic or benign to our knowledge

NM_182931.3(KMT2E):c.1280A>C (p.His427Pro)

Gene: KMT2E (lysine methyltransferase 2E (inactive); plus strand). Cytogenetic location: 7q22.3.
Variant type: single nucleotide variant.
Coding change: c.1280A>C on transcript NM_182931.3 (MANE Select); coding-DNA position 1280, A replaced by C.
Protein change: p.His427Pro; replaces histidine 427 with proline.
Molecular consequence: missense variant.
Genome position (GRCh38, 1-based): chr7:105,081,719, A>C. VCF-style: chr7-105081719-A-C. GRCh37 (hg19) VCF-style: chr7-104722166-A-C.
Other names: c.1280A>C, p.His427Pro (NM_001410908.1, NM_018682.4); short protein forms H427P.
Identifiers: ClinVar variation 3390699 (VCV003390699.1).